The following is an entry in ClinVar:

NM_000048.4(ASL):c.*287C>T

Gene: ASL (argininosuccinate lyase; plus strand). Cytogenetic location: 7q11.21.
Variant type: single nucleotide variant.
Coding change: c.*287C>T on transcript NM_000048.4 (MANE Select); 287 bases downstream of the stop codon, C replaced by T.
Molecular consequence: 3 prime UTR variant.
Genome position (GRCh38, 1-based): chr7:66,093,199, C>T. VCF-style: chr7-66093199-C-T. GRCh37 (hg19) VCF-style: chr7-65558186-C-T.
Other names: c.*287C>T (NM_001024943.2, NM_001024944.2, NM_001024946.2).
Identifiers: ClinVar variation 360574 (VCV000360574.9), dbSNP rs160644, ClinGen allele CA10626323.

ClinVar aggregate classification (germline): Benign. Review status: criteria provided, multiple submitters, no conflicts (2 of 4 stars). 3 submissions from 3 submitters: Benign (3). Last evaluated 2018-07-05.

Conditions:
Argininosuccinate lyase deficiency. Also called: ARGININOSUCCINIC ACID LYASE DEFICIENCY; ASL DEFICIENCY; Argininosuccinic aciduria. Identifiers: Orphanet 23, MedGen C0268547, MONDO:0008815, OMIM 207900, HP:0025630.

Allele frequency attached by ClinVar (database versions not stated): gnomAD 0.09796 and 0.10296; TOPMed 0.11179; gnomAD exomes 0.12702; 1000 Genomes Project 30x 0.13460; 1000 Genomes Project 0.13658.
gnomAD v4.1: 61,098 of 509,428 alleles (12%); highest among the groups gnomAD compares: Middle Eastern, 23%; 4,343 homozygotes.

Submissions (3):

GeneDx
Classification: Benign. Last evaluated: 2018-07-05. Review status: criteria provided, single submitter. Criteria: GeneDx Variant Classification Process June 2021. Collection method: clinical testing. Allele origin: germline. Affected: yes.

Illumina Laboratory Services, Illumina
Classification: Benign for Argininosuccinate lyase deficiency. Last evaluated: 2018-01-13. Review status: criteria provided, single submitter. Criteria: ICSL Variant Classification Criteria 13 December 2019. Collection method: clinical testing. Allele origin: germline.
Comment: This variant was observed in the ICSL laboratory as part of a predisposition screen in an ostensibly healthy population. It had not been previously curated by ICSL or reported in the Human Gene Mutation Database (HGMD: prior to June 1st, 2018), and was therefore a candidate for classification through an automated scoring system. Utilizing variant allele frequency, disease prevalence and penetrance estimates, and inheritance mode, an automated score was calculated to assess if this variant is too frequent to cause the disease. Based on the score and internal cut-off values, a variant classified as benign is not then subjected to further curation. The score for this variant resulted in a classification of benign for this disease.

Breakthrough Genomics
Classification: Benign. Review status: criteria provided, single submitter. Criteria: ACMG Guidelines, 2015. Collection method: not provided. Allele origin: germline. Inheritance: Autosomal recessive inheritance. Affected: yes.